The following is an entry in ClinVar:

NM_001040142.2(SCN2A):c.148C>T (p.Pro50Ser)

Gene: SCN2A (sodium voltage-gated channel alpha subunit 2; plus strand). Cytogenetic location: 2q24.3.
Variant type: single nucleotide variant.
Coding change: c.148C>T on transcript NM_001040142.2 (MANE Select); coding-DNA position 148, C replaced by T.
Protein change: p.Pro50Ser; replaces proline 50 with serine.
Molecular consequence: missense variant.
Genome position (GRCh38, 1-based): chr2:165,295,971, C>T. VCF-style: chr2-165295971-C-T. GRCh37 (hg19) VCF-style: chr2-166152481-C-T.
Other names: c.148C>T, p.Pro50Ser (NM_001040143.2, NM_001371246.1, NM_001371247.1 and 1 more transcripts); short protein forms P50S.
Identifiers: ClinVar variation 2930894 (VCV002930894.5), dbSNP rs2467838602, ClinGen allele CA349010181.
Genomic context (GRCh38, chr2:165,295,971, plus strand): 5'-GCAGAAGAGAAAGCTAAGAGACCCAAACAGGAACGCAAGGATGAGGATGATGAAAATGGC[C>T]CAAAGCCAAACAGTGACTTGGAAGCAGGAAAATCTCTTCCATTTATTTATGGAGACATTC-3'
Protein context (NP_001035232.1, residues 40-60): ERKDEDDENG[Pro50Ser]KPNSDLEAGK

ClinVar aggregate classification (germline): Uncertain significance. Review status: criteria provided, multiple submitters, no conflicts (2 of 4 stars). 2 submissions from 2 submitters: Uncertain significance (2). Last evaluated 2026-04-01.

Conditions:
Seizures, benign familial infantile, 3 (BFIS3). Also called: Familial neonatal seizures; CONVULSIONS, BENIGN FAMILIAL INFANTILE, 3. Identifiers: Orphanet 140927, Orphanet 306, MedGen C1843140, MONDO:0011904, OMIM 607745.
Developmental and epileptic encephalopathy, 11 (DEE11). Also called: Early infantile epileptic encephalopathy 11. Identifiers: Orphanet 1934, MedGen C3150987, MONDO:0013388, OMIM 613721.

Submissions (2):

CeGaT Center for Human Genetics Tuebingen
Classification: Uncertain significance. Last evaluated: 2026-04-01. Review status: criteria provided, single submitter. Criteria: CeGaT Center For Human Genetics Tuebingen Variant Classification Criteria Version 2. Collection method: clinical testing. Allele origin: germline. Affected: yes. Observed: 1 variant allele.
Comment: SCN2A: PM2

Labcorp Genetics (formerly Invitae), Labcorp
Classification: Uncertain significance for Seizures, benign familial infantile, 3; Developmental and epileptic encephalopathy, 11. Last evaluated: 2024-04-25. Review status: criteria provided, single submitter. Criteria: Invitae Variant Classification Sherloc (09022015). Collection method: clinical testing. Allele origin: germline.
Comment: This sequence change replaces proline, which is neutral and non-polar, with serine, which is neutral and polar, at codon 50 of the SCN2A protein (p.Pro50Ser). This variant is not present in population databases (gnomAD no frequency). This variant has not been reported in the literature in individuals affected with SCN2A-related conditions. Advanced modeling of protein sequence and biophysical properties (such as structural, functional, and spatial information, amino acid conservation, physicochemical variation, residue mobility, and thermodynamic stability) performed at Invitae indicates that this missense variant is expected to disrupt SCN2A protein function with a positive predictive value of 80%. In summary, the available evidence is currently insufficient to determine the role of this variant in disease. Therefore, it has been classified as a Variant of Uncertain Significance.